The following is an entry in ClinVar:

ClinVar aggregate classification (germline): Uncertain significance. Review status: criteria provided, multiple submitters, no conflicts (2 of 4 stars). 5 submissions from 5 submitters: Uncertain significance (4). 1 of the submissions does not count toward it. Last evaluated 2025-10-01.

Conditions:
Inborn genetic diseases. Identifiers: MedGen C0950123, MeSH D030342.
Usher syndrome type 2A. Also called: RETINAL DISEASE IN USHER SYNDROME TYPE IIA, MODIFIER OF; USHER SYNDROME, TYPE IIA. Identifiers: Orphanet 231178, Orphanet 886, MedGen C1848634, MONDO:0010169, OMIM 276901.

Allele frequency attached by ClinVar (database versions not stated): ESP Exome Variant Server 0.00031; 1000 Genomes Project 30x 0.00016; 1000 Genomes Project 0.00020; gnomAD exomes 0.00004; ExAC 0.00005; gnomAD 0.00011 and 0.00010; TOPMed 0.00016.
gnomAD v4.1: 37 of 1,614,066 alleles (0.0023%); highest among the groups gnomAD compares: African/African-American, 0.041%; no homozygotes.

Submissions (5):

GeneDx
Classification: Uncertain significance. Last evaluated: 2025-10-01. Review status: criteria provided, single submitter. Criteria: GeneDx Variant Classification Process June 2021. Collection method: clinical testing. Allele origin: germline.
Comment: In silico analysis suggests that this missense variant does not alter protein structure/function; Has not been previously published as pathogenic or benign to our knowledge

Ambry Genetics
Classification: Uncertain significance for Inborn genetic diseases. Last evaluated: 2024-05-24. Review status: criteria provided, single submitter. Criteria: Ambry Variant Classification Scheme 2023. Collection method: clinical testing. Allele origin: germline.

Labcorp Genetics (formerly Invitae), Labcorp
Classification: Uncertain significance. Last evaluated: 2024-01-19. Review status: criteria provided, single submitter. Criteria: Invitae Variant Classification Sherloc (09022015). Collection method: clinical testing. Allele origin: germline.
Comment: This sequence change replaces threonine, which is neutral and polar, with isoleucine, which is neutral and non-polar, at codon 4131 of the USH2A protein (p.Thr4131Ile). This variant is present in population databases (rs149647002, gnomAD 0.05%). This variant has not been reported in the literature in individuals affected with USH2A-related conditions. ClinVar contains an entry for this variant (Variation ID: 933415). Advanced modeling of protein sequence and biophysical properties (such as structural, functional, and spatial information, amino acid conservation, physicochemical variation, residue mobility, and thermodynamic stability) performed at Invitae indicates that this missense variant is not expected to disrupt USH2A protein function with a negative predictive value of 95%. In summary, the available evidence is currently insufficient to determine the role of this variant in disease. Therefore, it has been classified as a Variant of Uncertain Significance.

Blueprint Genetics
Classification: Uncertain significance. Last evaluated: 2021-06-11. Review status: criteria provided, single submitter. Criteria: ACMG Guidelines, 2015. Collection method: clinical testing. Allele origin: germline.

Natera, Inc.
Classification: Uncertain significance for Usher syndrome type 2A. Last evaluated: 2020-02-03. Review status: no assertion criteria provided. Collection method: clinical testing. Allele origin: germline. Not counted in ClinVar's aggregate classification.

NM_206933.4(USH2A):c.12392C>T (p.Thr4131Ile)

Gene: USH2A (usherin; minus strand). Cytogenetic location: 1q41.
Variant type: single nucleotide variant.
Coding change: c.12392C>T on transcript NM_206933.4 (MANE Select); coding-DNA position 12392, C replaced by T.
Protein change: p.Thr4131Ile; replaces threonine 4131 with isoleucine.
Molecular consequence: missense variant.
Genome position (GRCh38, 1-based): chr1:215,675,519, G>A on the plus strand (C>T on the coding strand, the complement: USH2A is on the minus strand). VCF-style: chr1-215675519-G-A. GRCh37 (hg19) VCF-style: chr1-215848861-G-A.
Other names: short protein forms T4131I.
Identifiers: ClinVar variation 933415 (VCV000933415.10), dbSNP rs149647002, ClinGen allele CA1393476.
Genomic context (GRCh38, chr1:215,675,519, plus strand): 5'-TCTGTCCACAGAGGCTGAGGCGCCGAGTGTGCACAACCTGCTCTGGTGCAGGCCTCCAGG[G>A]TCAGTGTGTAGAGAGTGAAAGGATCCAGGCGGCGGAAGAGAAACTGACGATTCAAACCAG-3'
Protein context (NP_996816.3, residues 4121-4141): RLDPFTLYTL[Thr4131Ile]LEACTRAGCA